The following is an entry in ClinVar:

ClinVar aggregate classification (germline): Conflicting classifications of pathogenicity. Review status: criteria provided, conflicting classifications (1 of 4 stars). 4 submissions from 4 submitters: Uncertain significance (2); Likely benign (1). 1 of the submissions does not count toward it. Last evaluated 2026-01-26.

Conditions:
VPS13B-related disorder. Also called: VPS13B-related condition.
Cohen syndrome (COH1). Also called: PEPPER SYNDROME; Cutis verticis gyrata, retinitis pigmentosa, and sensorineural deafness. Identifiers: Orphanet 193, MedGen C0265223, MONDO:0008999, OMIM 216550.

Allele frequency attached by ClinVar (database versions not stated): gnomAD 0.00001; ExAC 0.00002; gnomAD exomes 0.00003; TOPMed 0.00003.
gnomAD v4.1: 49 of 1,613,780 alleles (0.003%); highest among the groups gnomAD compares: East Asian, 0.033%; no homozygotes.

Submissions (4):

Labcorp Genetics (formerly Invitae), Labcorp
Classification: Likely benign for Cohen syndrome. Last evaluated: 2026-01-26. Review status: criteria provided, single submitter. Criteria: Invitae Variant Classification Sherloc (09022015). Collection method: clinical testing. Allele origin: germline.

Illumina Laboratory Services, Illumina
Classification: Uncertain significance for Cohen syndrome. Last evaluated: 2018-01-13. Review status: criteria provided, single submitter. Criteria: ICSL Variant Classification Criteria 13 December 2019. Collection method: clinical testing. Allele origin: germline.

Juno Genomics, Hangzhou Juno Genomics, Inc
Classification: Uncertain significance for Cohen syndrome. Review status: criteria provided, single submitter. Criteria: ACMG Guidelines, 2015. Collection method: clinical testing. Allele origin: germline.
Comment: Absent from controls (or at extremely low frequency if recessive) in Genome Aggregation Database.

PreventionGenetics, part of Exact Sciences
Classification: Likely benign for VPS13B-related condition. Last evaluated: 2024-09-01. Review status: no assertion criteria provided. Collection method: clinical testing. Allele origin: germline. Not counted in ClinVar's aggregate classification.
Comment: This variant is classified as likely benign based on ACMG/AMP sequence variant interpretation guidelines (Richards et al. 2015 PMID: 25741868, with internal and published modifications).

NM_152564.5(VPS13B):c.6591C>T (p.Ser2197=)

Gene: VPS13B (vacuolar protein sorting 13 homolog B; plus strand). Cytogenetic location: 8q22.2.
Variant type: single nucleotide variant.
Coding change: c.6591C>T on transcript NM_152564.5 (MANE Select); coding-DNA position 6591, C replaced by T.
Protein change: p.Ser2197=; no amino-acid change (serine 2197 retained).
Molecular consequence: synonymous variant.
Genome position (GRCh38, 1-based): chr8:99,717,307, C>T. VCF-style: chr8-99717307-C-T. GRCh37 (hg19) VCF-style: chr8-100729535-C-T.
Other names: c.6591C>T (NM_152564.4); c.6666C>T, p.Ser2222= (NM_017890.5).
Identifiers: ClinVar variation 908546 (VCV000908546.16), dbSNP rs774730061, ClinGen allele CA4824034.